The following is an entry in ClinVar:

NM_007294.4(BRCA1):c.4768G>A (p.Val1590Ile)

Gene: BRCA1 (BRCA1 DNA repair associated; minus strand). Cytogenetic location: 17q21.31.
Variant type: single nucleotide variant.
Coding change: c.4768G>A on transcript NM_007294.4 (MANE Select); coding-DNA position 4768, G replaced by A.
Protein change: p.Val1590Ile; replaces valine 1590 with isoleucine.
Molecular consequence: missense variant. On other transcripts: non-coding transcript variant (1).
Genome position (GRCh38, 1-based): chr17:43,071,146, C>T on the plus strand (G>A on the coding strand, the complement: BRCA1 is on the minus strand). VCF-style: chr17-43071146-C-T. GRCh37 (hg19) VCF-style: chr17-41223163-C-T.
Other names: c.4624G>A, p.Val1542Ile (NM_001407733.1, NM_001407734.1, NM_001407735.1 and 21 more transcripts); c.4621G>A, p.Val1541Ile (NM_001407838.1, NM_001407839.1, NM_001407841.1 and 12 more transcripts); c.4768G>A, p.Val1590Ile (NM_001407854.1, NM_001407593.1, NM_001407594.1 and 8 more transcripts); c.4765G>A, p.Val1589Ile (NM_001407858.1, NM_001407859.1, NM_001407860.1 and 17 more transcripts); c.4762G>A, p.Val1588Ile (NM_001407861.1, NM_001407627.1, NM_001407628.1 and 14 more transcripts); c.4567G>A, p.Val1523Ile (NM_001407862.1); c.4642G>A, p.Val1548Ile (NM_001407863.1, NM_001407939.1, NM_001407940.1 and 11 more transcripts); c.4561G>A, p.Val1521Ile (NM_001407874.1, NM_001407875.1); and 70 more; short protein forms V1293I, V1500I, V1520I, V1541I, V1543I, V1562I, V1564I, V1585I.
Identifiers: ClinVar variation 1742935 (VCV001742935.6), dbSNP rs2153864206, ClinGen allele CA10591977.

ClinVar aggregate classification (germline): Uncertain significance. Review status: criteria provided, multiple submitters, no conflicts (2 of 4 stars). 3 submissions from 3 submitters: Uncertain significance (3). Last evaluated 2025-10-30.

Conditions:
Hereditary cancer-predisposing syndrome. Also called: Hereditary Cancer Syndrome; Hereditary neoplastic syndrome; Neoplastic Syndromes, Hereditary; Tumor predisposition. Identifiers: Orphanet 140162, MedGen C0027672, MeSH D009386, MONDO:0015356.
Hereditary breast ovarian cancer syndrome. Also called: Hereditary breast and ovarian cancer syndrome (HBOC); Hereditary breast and ovarian cancer syndrome; Breast and ovarian cancer; Hereditary breast and/or ovarian cancer syndrome; Hereditary breast and ovarian cancer; BRCA1- and BRCA2-Associated Hereditary Breast and Ovarian Cancer. Identifiers: Orphanet 145, MedGen C0677776, MeSH D061325, MONDO:0003582. Disease mechanism: loss of function.

Submissions (3):

Women's Health and Genetics/Laboratory Corporation of America, LabCorp
Classification: Uncertain significance. Last evaluated: 2025-10-30. Review status: criteria provided, single submitter. Criteria: LabCorp Variant Classification Summary - May 2015. Collection method: clinical testing. Allele origin: germline.

Labcorp Genetics (formerly Invitae), Labcorp
Classification: Uncertain significance for Hereditary breast ovarian cancer syndrome. Last evaluated: 2023-07-17. Review status: criteria provided, single submitter. Criteria: Invitae Variant Classification Sherloc (09022015). Collection method: clinical testing. Allele origin: germline.
Comment: This variant has not been reported in the literature in individuals affected with BRCA1-related conditions. In summary, the available evidence is currently insufficient to determine the role of this variant in disease. Therefore, it has been classified as a Variant of Uncertain Significance. Advanced modeling of protein sequence and biophysical properties (such as structural, functional, and spatial information, amino acid conservation, physicochemical variation, residue mobility, and thermodynamic stability) performed at Invitae indicates that this missense variant is not expected to disrupt BRCA1 protein function. ClinVar contains an entry for this variant (Variation ID: 1742935). This variant is not present in population databases (gnomAD no frequency). This sequence change replaces valine, which is neutral and non-polar, with isoleucine, which is neutral and non-polar, at codon 1590 of the BRCA1 protein (p.Val1590Ile).

Ambry Genetics
Classification: Uncertain significance for Hereditary cancer-predisposing syndrome. Last evaluated: 2019-09-08. Review status: criteria provided, single submitter. Criteria: Ambry Variant Classification Scheme 2023. Collection method: clinical testing. Allele origin: germline.
Comment: The p.V1590I variant (also known as c.4768G>A), located in coding exon 14 of the BRCA1 gene, results from a G to A substitution at nucleotide position 4768. The valine at codon 1590 is replaced by isoleucine, an amino acid with highly similar properties. This amino acid position is not well conserved in available vertebrate species. In addition, the in silico prediction for this alteration is inconclusive. Since supporting evidence is limited at this time, the clinical significance of this alteration remains unclear.